The following is an entry in ClinVar:

ClinVar aggregate classification (germline): Uncertain significance. Review status: reviewed by expert panel (3 of 4 stars). 2 submissions from 2 submitters: Uncertain significance (1). 1 of the submissions does not count toward it. Last evaluated 2025-08-01.

Conditions:
Malignant hyperthermia of anesthesia. Also called: Anesthesic-triggered malignant hyperthermia. Identifiers: Orphanet 423, MedGen C0024591, MONDO:0018493, HP:0034733.

Submissions (2):

ClinGen Malignant Hyperthermia Susceptibility Variant Curation Expert Panel, ClinGen
Classification: Uncertain significance for Malignant hyperthermia of anesthesia. Last evaluated: 2025-08-01. Review status: reviewed by expert panel. Criteria: ClinGen MHS ACMG Specifications V2. Collection method: curation. Allele origin: germline. Inheritance: Autosomal dominant inheritance.
Comment: This pathogenicity assessment is relevant only for malignant hyperthermia susceptibility (MHS) inherited in an autosomal dominant pattern. Variants in RYR1 can also cause other myopathies inherited in an autosomal dominant pattern or in an autosomal recessive pattern. Some of these disorders may predispose individuals to malignant hyperthermia. RYR1 variants may also contribute to a malignant hyperthermia reaction in combination with other genetic and non-genetic factors and the clinician needs to consider such factors in making management decisions. This sequence variant predicts a substitution of tyrosine with histidine at codon 2510 of the RYR1 protein, p.(Tyr2510His). This variant was not present in a large population database (gnomAD) at the time this variant was interpreted. This variant has been reported in an individual with a personal or family history of an MH episode and a positive in vitro contracture test (IVCT) or caffeine halothane contracture test (CHCT) result (if the proband was unavailable for testing, a positive diagnostic test result in a mutation-positive relative was counted), however, this individual has a second variant of uncertain significance in RYR1, p.Met1814Lys, PS4 not implemented (PMID:30236257). No functional studies were identified for this variant. This variant does not reside in a hotspot for pathogenic variants that contribute to MHS. A REVEL score >0.85 (0.922) supports a pathogenic status for this variant, PP3_Moderate. This variant has been classified as a Variant of Unknown Significance. Criteria implemented: PP3_Moderate.

RYR1 database
No classification provided. Review status: no classification provided. Collection method: not provided. Allele origin: unknown. Not counted in ClinVar's aggregate classification.

NM_000540.3(RYR1):c.7528T>C (p.Tyr2510His)

Gene: RYR1 (ryanodine receptor 1; plus strand). Cytogenetic location: 19q13.2.
Variant type: single nucleotide variant.
Coding change: c.7528T>C on transcript NM_000540.3 (MANE Select); coding-DNA position 7528, T replaced by C.
Protein change: p.Tyr2510His; replaces tyrosine 2510 with histidine.
Molecular consequence: missense variant.
Genome position (GRCh38, 1-based): chr19:38,500,904, T>C. VCF-style: chr19-38500904-T-C. GRCh37 (hg19) VCF-style: chr19-38991544-T-C.
Other names: NM_000540.2(RYR1):c.7528T>C; c.7528T>C, p.Tyr2510His (NM_001042723.2); short protein forms Y2510H.
Identifiers: ClinVar variation 133208 (VCV000133208.4), dbSNP rs193922819, ClinGen allele CA024827.
Genomic context (GRCh38, chr19:38,500,904, plus strand): 5'-ATGTCAGCATCCTTCGTGCCGGACCACAAGGCGTCCATGGTGCTCTTCCTGGACCGTGTG[T>C]ATGGCATCGAGAACCAGGACTTCTTGCTGCACGTGCTGGACGTGGGGTTCCTGCCCGACA-3'
Protein context (NP_000531.2, residues 2500-2520): ASMVLFLDRV[Tyr2510His]GIENQDFLLH